The following is an entry in ClinVar:

NM_001144869.3(LIPT2):c.16G>C (p.Val6Leu)

Genes: LIPT2 (lipoyl(octanoyl) transferase 2; minus strand), LIPT2-AS1 (LIPT2 antisense RNA 1; plus strand). Cytogenetic location: 11q13.4.
Variant type: single nucleotide variant.
Coding change: c.16G>C on transcript NM_001144869.3 (MANE Select); coding-DNA position 16, G replaced by C.
Protein change: p.Val6Leu; replaces valine 6 with leucine.
Molecular consequence: missense variant. On other transcripts: non-coding transcript variant (1).
Genome position (GRCh38, 1-based): chr11:74,493,688, C>G on the plus strand (G>C on the coding strand, the complement: LIPT2 is on the minus strand). VCF-style: chr11-74493688-C-G. GRCh37 (hg19) VCF-style: chr11-74204733-C-G.
Other names: c.16G>C, p.Val6Leu (NM_001329941.2, NM_001329942.2); short protein forms V6L.
Identifiers: ClinVar variation 1415701 (VCV001415701.6), dbSNP rs542782857, ClinGen allele CA381977218.

ClinVar aggregate classification (germline): Uncertain significance (1 of 4 stars; one submission).

Submission:

Labcorp Genetics (formerly Invitae), Labcorp
Classification: Uncertain significance. Last evaluated: 2024-02-24. Review status: criteria provided, single submitter. Criteria: Invitae Variant Classification Sherloc (09022015). Collection method: clinical testing. Allele origin: germline.
Comment: This sequence change replaces valine, which is neutral and non-polar, with leucine, which is neutral and non-polar, at codon 6 of the LIPT2 protein (p.Val6Leu). This variant is not present in population databases (gnomAD no frequency). This variant has not been reported in the literature in individuals affected with LIPT2-related conditions. ClinVar contains an entry for this variant (Variation ID: 1415701). Algorithms developed to predict the effect of missense changes on protein structure and function output the following: SIFT: "Not Available"; PolyPhen-2: "Benign"; Align-GVGD: "Not Available". The leucine amino acid residue is found in multiple mammalian species, which suggests that this missense change does not adversely affect protein function. In summary, the available evidence is currently insufficient to determine the role of this variant in disease. Therefore, it has been classified as a Variant of Uncertain Significance.